The following is an entry in ClinVar:

ClinVar aggregate classification (germline): Uncertain significance (1 of 4 stars; one submission).

Conditions:
Epileptic encephalopathy. Identifiers: MedGen C0543888, HP:0200134.

Submission:

Labcorp Genetics (formerly Invitae), Labcorp
Classification: Uncertain significance for Epileptic encephalopathy. Last evaluated: 2022-10-23. Review status: criteria provided, single submitter. Criteria: Invitae Variant Classification Sherloc (09022015). Collection method: clinical testing. Allele origin: germline.
Comment: This sequence change falls in intron 38 of the FASN gene. It does not directly change the encoded amino acid sequence of the FASN protein. This variant is not present in population databases (gnomAD no frequency). This variant has not been reported in the literature in individuals affected with FASN-related conditions. Algorithms developed to predict the effect of sequence changes on RNA splicing suggest that this variant may disrupt the consensus splice site. In summary, the available evidence is currently insufficient to determine the role of this variant in disease. Therefore, it has been classified as a Variant of Uncertain Significance.

NM_004104.5(FASN):c.6595+7G>A

Gene: FASN (fatty acid synthase; minus strand). Cytogenetic location: 17q25.3.
Variant type: single nucleotide variant.
Coding change: c.6595+7G>A on transcript NM_004104.5 (MANE Select); 7 bases into the intron after coding-DNA position 6595, G replaced by A.
Molecular consequence: intron variant.
Genome position (GRCh38, 1-based): chr17:82,081,157, C>T on the plus strand (G>A on the coding strand, the complement: FASN is on the minus strand). VCF-style: chr17-82081157-C-T. GRCh37 (hg19) VCF-style: chr17-80039033-C-T.
Identifiers: ClinVar variation 2036650 (VCV002036650.4), dbSNP rs2033980433, ClinGen allele CA2278832463.